The following is an entry in ClinVar:

NM_004991.4(MECOM):c.688T>C (p.Phe230Leu)

Gene: MECOM (MDS1 and EVI1 complex locus; minus strand). Cytogenetic location: 3q26.2.
Variant type: single nucleotide variant.
Coding change: c.688T>C on transcript NM_004991.4 (MANE Select); coding-DNA position 688, T replaced by C.
Protein change: p.Phe230Leu; replaces phenylalanine 230 with leucine.
Molecular consequence: missense variant.
Genome position (GRCh38, 1-based): chr3:169,127,986, A>G on the plus strand (T>C on the coding strand, the complement: MECOM is on the minus strand). VCF-style: chr3-169127986-A-G. GRCh37 (hg19) VCF-style: chr3-168845774-A-G.
Other names: c.316T>C, p.Phe106Leu (NM_001105077.4); c.124T>C, p.Phe42Leu (NM_001105078.4, NM_001163999.2, NM_001164000.2 and 9 more transcripts); c.688T>C, p.Phe230Leu (NM_001366466.2, NM_001366473.2); short protein forms F106L, F230L, F42L.
Identifiers: ClinVar variation 4105789 (VCV004105789.1).

ClinVar aggregate classification (germline): Uncertain significance (1 of 4 stars; one submission).

Conditions:
Inborn genetic diseases. Identifiers: MedGen C0950123, MeSH D030342.

Submission:

Ambry Genetics
Classification: Uncertain significance for Inborn genetic diseases. Last evaluated: 2025-07-22. Review status: criteria provided, single submitter. Criteria: Ambry Variant Classification Scheme 2023. Collection method: clinical testing. Allele origin: germline.
Comment: The p.F230L variant (also known as c.688T>C), located in coding exon 5 of the MECOM gene, results from a T to C substitution at nucleotide position 688. The phenylalanine at codon 230 is replaced by leucine, an amino acid with highly similar properties. This amino acid position is conserved. In addition, this alteration is predicted to be tolerated by in silico analysis. Based on the available evidence, the clinical significance of this variant remains unclear.